The following is an entry in ClinVar:

NM_000350.3(ABCA4):c.2385_2400del (p.Ser795fs)

Gene: ABCA4 (ATP binding cassette subfamily A member 4; minus strand). Cytogenetic location: 1p22.1.
Variant type: Deletion.
Coding change: c.2385_2400del on transcript NM_000350.3 (MANE Select); coding-DNA positions 2385 to 2400, 16 bases deleted (CTTACTGTCTCCGGTG).
Protein change: p.Ser795fs; shifts the reading frame from serine 795.
Molecular consequence: frameshift variant.
Genome position (GRCh38, 1-based): chr1:94,055,298-94,055,313, CACCGGAGACAGTAAG deleted on the plus strand (CTTACTGTCTCCGGTG on the coding strand, the reverse complement: ABCA4 is on the minus strand); deleting any 16 consecutive bases within chr1:94,055,298-94,055,314 gives the same sequence; the c. name uses the placement nearest the transcript's 3' end. VCF-style (leftmost placement, unchanged base first): chr1-94055297-CCACCGGAGACAGTAAG-C. GRCh37 (hg19) VCF-style: chr1-94520853-CCACCGGAGACAGTAAG-C.
Other names: c.2162_2177del16, p.Ser721Argfs (NM_001425324.1); short protein forms S795fs.
Identifiers: ClinVar variation 99132 (VCV000099132.7), dbSNP rs281865399, ClinGen allele CA226997.

ClinVar aggregate classification (germline): Pathogenic. Review status: criteria provided, multiple submitters, no conflicts (2 of 4 stars). 4 submissions from 4 submitters: Pathogenic (3). 1 of the submissions does not count toward it. Last evaluated 2025-10-16.

Conditions:
ABCA4-related disorder. Also called: ABCA4-related disorders; ABCA4-related condition. Identifiers: MedGen CN239167.
Retinal disorder. Also called: Retinal disorders; Retinopathy; Retinopathies; Retinal Diseases. Identifiers: MedGen C0035309, MONDO:0005283, HP:0000488.

Submissions (4):

Labcorp Genetics (formerly Invitae), Labcorp
Classification: Pathogenic. Last evaluated: 2025-10-16. Review status: criteria provided, single submitter. Criteria: Invitae Variant Classification Sherloc (09022015). Collection method: clinical testing. Allele origin: germline.
Comment: This sequence change creates a premature translational stop signal (p.Ser795Argfs*43) in the ABCA4 gene. It is expected to result in an absent or disrupted protein product. Loss-of-function variants in ABCA4 are known to be pathogenic (PMID: 10958761, 24938718, 25312043, 26780318). This variant is not present in population databases (gnomAD no frequency). This premature translational stop signal has been observed in individual(s) with ABCA4-related conditions (PMID: 11328725). This variant is also known as 2385del16bp. ClinVar contains an entry for this variant (Variation ID: 99132). For these reasons, this variant has been classified as Pathogenic.

Blueprint Genetics
Classification: Pathogenic for ABCA4-related disorders. Last evaluated: 2023-09-14. Review status: criteria provided, single submitter. Criteria: ACMG Guidelines, 2015. Collection method: clinical testing. Allele origin: germline. Affected: yes. Observed: 3 variant alleles.

AURAGEN, Plan France Médecine Génomique
Classification: Pathogenic for Retinal disorder. Last evaluated: 2022-01-24. Review status: criteria provided, single submitter. Criteria: PFMG2025 (Lancet Reg Health Eur. 2025). Collection method: clinical testing. Allele origin: germline. Affected: yes.

Retina International
No classification provided. Review status: no classification provided. Collection method: not provided. Allele origin: not provided. Not counted in ClinVar's aggregate classification.

Literature cited by the submitters: PubMed 10958761 (cited by Labcorp Genetics (formerly Invitae), Labcorp); PubMed 24938718 (cited by Labcorp Genetics (formerly Invitae), Labcorp); PubMed 25312043 (cited by Labcorp Genetics (formerly Invitae), Labcorp); PubMed 26780318 (cited by Labcorp Genetics (formerly Invitae), Labcorp); PubMed 11328725 (cited by Labcorp Genetics (formerly Invitae), Labcorp).